The following is an entry in ClinVar:

NM_004343.4(CALR):c.817-4G>T

Genes: CALR (calreticulin; plus strand), LOC126862861 (MED14-independent group 3 enhancer GRCh37_chr19:13050707-13051906; plus strand). Cytogenetic location: 19p13.13.
Variant type: single nucleotide variant.
Coding change: c.817-4G>T on transcript NM_004343.4 (MANE Select); 4 bases into the intron before coding-DNA position 817, G replaced by T.
Molecular consequence: intron variant.
Genome position (GRCh38, 1-based): chr19:12,940,740, G>T. VCF-style: chr19-12940740-G-T. GRCh37 (hg19) VCF-style: chr19-13051554-G-T.
Identifiers: ClinVar variation 3051119 (VCV003051119.2), dbSNP rs184881678, ClinGen allele CA9235910.

ClinVar aggregate classification (germline): Likely benign (0 of 4 stars; one submission).

Conditions:
CALR-related disorder. Also called: CALR-related condition.

Allele frequency attached by ClinVar (database versions not stated): TOPMed 0.00001; ExAC 0.00005; ESP Exome Variant Server 0.00008; 1000 Genomes Project 30x 0.00016; 1000 Genomes Project 0.00020.
gnomAD v4.1: 63 of 1,614,142 alleles (0.0039%); highest among the groups gnomAD compares: Admixed American, 0.005%; no homozygotes.

Submission:

PreventionGenetics, part of Exact Sciences
Classification: Likely benign for CALR-related condition. Last evaluated: 2023-12-08. Review status: no assertion criteria provided. Collection method: clinical testing. Allele origin: germline.
Comment: This variant is classified as likely benign based on ACMG/AMP sequence variant interpretation guidelines (Richards et al. 2015 PMID: 25741868, with internal and published modifications).